The following is an entry in ClinVar:

ClinVar aggregate classification (germline): Pathogenic/Likely pathogenic. Review status: criteria provided, multiple submitters, no conflicts (2 of 4 stars). 3 submissions from 3 submitters: Pathogenic (2); Likely pathogenic (1). Last evaluated 2024-08-20.

Conditions:
Familial thoracic aortic aneurysm and aortic dissection (TAAD). Also called: Thoracic aortic aneurysms and dissections. Identifiers: Orphanet 91387, MedGen C4707243, MONDO:0019625.
Loeys-Dietz syndrome 4 (LDS4). Also called: ANEURYSM, AORTIC AND CEREBRAL, WITH ARTERIAL TORTUOSITY AND SKELETAL MANIFESTATIONS; TGFB2-Related Loeys-Dietz Syndrome. Identifiers: MedGen C3553762, MONDO:0013897, OMIM 614816.

Submissions (3):

Labcorp Genetics (formerly Invitae), Labcorp
Classification: Pathogenic for Loeys-Dietz syndrome 4. Last evaluated: 2024-08-20. Review status: criteria provided, single submitter. Criteria: Invitae Variant Classification Sherloc (09022015). Collection method: clinical testing. Allele origin: germline.
Comment: This sequence change creates a premature translational stop signal (p.Arg150Serfs*13) in the TGFB2 gene. It is expected to result in an absent or disrupted protein product. Loss-of-function variants in TGFB2 are known to be pathogenic (PMID: 22772368, 22772371, 30739908). This variant is not present in population databases (gnomAD no frequency). This variant has not been reported in the literature in individuals affected with TGFB2-related conditions. ClinVar contains an entry for this variant (Variation ID: 1741047). For these reasons, this variant has been classified as Pathogenic.

CHEO Genetics Diagnostic Laboratory, Children's Hospital of Eastern Ontario
Classification: Likely pathogenic for Familial thoracic aortic aneurysm and aortic dissection. Last evaluated: 2022-05-19. Review status: criteria provided, single submitter. Criteria: ACMG Guidelines, 2015. Collection method: clinical testing. Allele origin: germline.

Ambry Genetics
Classification: Pathogenic for Familial thoracic aortic aneurysm and aortic dissection. Last evaluated: 2021-09-03. Review status: criteria provided, single submitter. Criteria: Ambry Variant Classification Scheme 2023. Collection method: clinical testing. Allele origin: germline.
Comment: The c.450_451delAG pathogenic mutation, located in coding exon 2 of the TGFB2 gene, results from a deletion of two nucleotides at nucleotide positions 450 to 451, causing a translational frameshift with a predicted alternate stop codon (p.R150Sfs*13). This variant is considered to be rare based on population cohorts in the Genome Aggregation Database (gnomAD). In addition, this alteration is expected to result in loss of function by premature protein truncation or nonsense-mediated mRNA decay. As such, this alteration is interpreted as a disease-causing mutation.

Literature cited by the submitters: PubMed 22772368 (cited by Labcorp Genetics (formerly Invitae), Labcorp); PubMed 22772371 (cited by Labcorp Genetics (formerly Invitae), Labcorp); PubMed 30739908 (cited by Labcorp Genetics (formerly Invitae), Labcorp).

NM_003238.6(TGFB2):c.450_451del (p.Arg150fs)

Gene: TGFB2 (transforming growth factor beta 2; plus strand). Cytogenetic location: 1q41.
Variant type: Microsatellite.
Coding change: c.450_451del on transcript NM_003238.6 (MANE Select); coding-DNA positions 450 to 451, 2 bases deleted (AG; older notation c.450_451delAG).
Protein change: p.Arg150fs; shifts the reading frame from arginine 150.
Molecular consequence: frameshift variant. On other transcripts: non-coding transcript variant (2).
Genome position (GRCh38, 1-based): chr1:218,405,272-218,405,273, AG deleted; deleting any 2 consecutive bases within chr1:218,405,270-218,405,273 gives the same sequence; the c. name uses the placement nearest the transcript's 3' end. VCF-style (leftmost placement, unchanged base first): chr1-218405269-CAG-C. GRCh37 (hg19) VCF-style: chr1-218578611-CAG-C.
Other names: c.534_535del, p.Arg178fs (NM_001135599.4); c.534_535del (NM_001135599.2); short protein forms R178fs, R150fs.
Identifiers: ClinVar variation 1741047 (VCV001741047.6), dbSNP rs2464757983, ClinGen allele CA2580611552.